The following is an entry in ClinVar:

ClinVar aggregate classification (germline): Likely benign (1 of 4 stars; one submission).

Allele frequency attached by ClinVar (database versions not stated): 1000 Genomes Project 30x 0.00078; TOPMed 0.00089; 1000 Genomes Project 0.00100; gnomAD exomes 0.00116; ExAC 0.00118; ESP Exome Variant Server 0.00131; gnomAD 0.00146.
gnomAD v4.1: 1,921 of 1,613,426 alleles (0.12%); highest among the groups gnomAD compares: Non-Finnish European, 0.11%; 1 homozygote.

Submission:

CeGaT Center for Human Genetics Tuebingen
Classification: Likely benign. Last evaluated: 2022-09-01. Review status: criteria provided, single submitter. Criteria: CeGaT Center For Human Genetics Tuebingen Variant Classification Criteria Version 2. Collection method: clinical testing. Allele origin: germline. Affected: yes. Observed: 1 variant allele.
Comment: KLHL2: BP4, BP7

NM_007246.4(KLHL2):c.78C>T (p.Thr26=)

Gene: KLHL2 (kelch like family member 2; plus strand). Cytogenetic location: 4q32.3.
Variant type: single nucleotide variant.
Coding change: c.78C>T on transcript NM_007246.4 (MANE Select); coding-DNA position 78, C replaced by T.
Protein change: p.Thr26=; no amino-acid change (threonine 26 retained).
Molecular consequence: synonymous variant. On other transcripts: 5 prime UTR variant (3).
Genome position (GRCh38, 1-based): chr4:165,219,985, C>T. VCF-style: chr4-165219985-C-T. GRCh37 (hg19) VCF-style: chr4-166141137-C-T.
Other names: c.90C>T, p.Thr30= (NM_001161521.1); c.-80C>T (NM_001161522.1); c.-192C>T (NM_001331023.2); c.-92C>T (NM_001331024.2).
Identifiers: ClinVar variation 2655168 (VCV002655168.24), dbSNP rs148132541, ClinGen allele CA3129132.
Genomic context (GRCh38, chr4:165,219,985, plus strand): 5'-TATGTACAGATGCACAAAGCAGGGTCATCAGAAGCCTCTCGATTCAAAAGATGATAATAC[C>T]GAAAAACACTGCCCAGTGACAGTGAATCCTTGGCATATGAAGAAAGCTTTCAAAGTCATG-3'
Protein context (NP_009177.3, residues 16-36): QKPLDSKDDN[Thr26=]EKHCPVTVNP